The following is an entry in ClinVar:

ClinVar aggregate classification (germline): Uncertain significance (1 of 4 stars; one submission).

Submission:

Labcorp Genetics (formerly Invitae), Labcorp
Classification: Uncertain significance. Last evaluated: 2023-04-09. Review status: criteria provided, single submitter. Criteria: Invitae Variant Classification Sherloc (09022015). Collection method: clinical testing. Allele origin: germline.
Comment: In summary, the available evidence is currently insufficient to determine the role of this variant in disease. Therefore, it has been classified as a Variant of Uncertain Significance. Advanced modeling of protein sequence and biophysical properties (such as structural, functional, and spatial information, amino acid conservation, physicochemical variation, residue mobility, and thermodynamic stability) performed at Invitae indicates that this missense variant is not expected to disrupt DCHS1 protein function. This variant has not been reported in the literature in individuals affected with DCHS1-related conditions. This variant is not present in population databases (gnomAD no frequency). This sequence change replaces proline, which is neutral and non-polar, with leucine, which is neutral and non-polar, at codon 1446 of the DCHS1 protein (p.Pro1446Leu).

NM_003737.4(DCHS1):c.4337C>T (p.Pro1446Leu)

Gene: DCHS1 (dachsous cadherin-related 1; minus strand). Cytogenetic location: 11p15.4.
Variant type: single nucleotide variant.
Coding change: c.4337C>T on transcript NM_003737.4 (MANE Select); coding-DNA position 4337, C replaced by T.
Protein change: p.Pro1446Leu; replaces proline 1446 with leucine.
Molecular consequence: missense variant.
Genome position (GRCh38, 1-based): chr11:6,630,457, G>A on the plus strand (C>T on the coding strand, the complement: DCHS1 is on the minus strand). VCF-style: chr11-6630457-G-A. GRCh37 (hg19) VCF-style: chr11-6651688-G-A.
Other names: short protein forms P1446L.
Identifiers: ClinVar variation 2854279 (VCV002854279.3), dbSNP rs2493824793, ClinGen allele CA379405805.